The following is an entry in ClinVar:

ClinVar aggregate classification (germline): Conflicting classifications of pathogenicity. Review status: criteria provided, conflicting classifications (1 of 4 stars). 3 submissions from 3 submitters: Uncertain significance (2); Likely benign (1). Last evaluated 2025-01-09.

Conditions:
Cardiovascular phenotype. Identifiers: MedGen CN230736.

Allele frequency attached by ClinVar (database versions not stated): ESP Exome Variant Server 0.00008; gnomAD 0.00006 and 0.00005; TOPMed 0.00006; gnomAD exomes 0.00009 and 0.00003; ExAC 0.00004.
gnomAD v4.1: 134 of 1,613,782 alleles (0.0083%); highest among the groups gnomAD compares: Non-Finnish European, 0.011%; no homozygotes.

Submissions (3):

Revvity Omics, Revvity
Classification: Uncertain significance. Last evaluated: 2025-01-09. Review status: criteria provided, single submitter. Criteria: ACMG Guidelines, 2015. Collection method: clinical testing. Allele origin: germline.

Ambry Genetics
Classification: Uncertain significance for Cardiovascular phenotype. Last evaluated: 2020-01-10. Review status: criteria provided, single submitter. Criteria: Ambry Variant Classification Scheme 2023. Collection method: clinical testing. Allele origin: germline.
Comment: The p.Y22083H variant (also known as c.66247T>C), located in coding exon 166 of the TTN gene, results from a T to C substitution at nucleotide position 66247. The tyrosine at codon 22083 is replaced by histidine, an amino acid with similar properties. This amino acid position is highly conserved in available vertebrate species. In addition, the in silico prediction for this alteration is inconclusive. Since supporting evidence is limited at this time, the clinical significance of this alteration remains unclear.

GeneDx
Classification: Likely benign. Last evaluated: 2020-01-10. Review status: criteria provided, single submitter. Criteria: GeneDx Variant Classification Process June 2021. Collection method: clinical testing. Allele origin: germline. Affected: yes.

NM_001267550.2(TTN):c.93442T>C (p.Tyr31148His)

Genes: TTN (titin; minus strand), TTN-AS1 (TTN antisense RNA 1; plus strand). Cytogenetic location: 2q31.2.
Variant type: single nucleotide variant.
Coding change: c.93442T>C on transcript NM_001267550.2 (MANE Select); coding-DNA position 93442, T replaced by C.
Protein change: p.Tyr31148His; replaces tyrosine 31148 with histidine.
Molecular consequence: missense variant.
Genome position (GRCh38, 1-based): chr2:178,548,184, A>G on the plus strand (T>C on the coding strand, the complement: TTN is on the minus strand). VCF-style: chr2-178548184-A-G. GRCh37 (hg19) VCF-style: chr2-179412911-A-G.
Other names: c.88519T>C, p.Tyr29507His (NM_001256850.1); c.66247T>C, p.Tyr22083His (NM_003319.4); c.85738T>C, p.Tyr28580His (NM_133378.4); c.66622T>C, p.Tyr22208His (NM_133432.3); c.66823T>C, p.Tyr22275His (NM_133437.4); short protein forms Y22083H, Y22208H, Y22275H, Y28580H, Y29507H, Y31148H.
Identifiers: ClinVar variation 1216287 (VCV001216287.6), dbSNP rs373131310, ClinGen allele CA1987299.